The following is an entry in ClinVar:

ClinVar aggregate classification (germline): Uncertain significance. Review status: criteria provided, multiple submitters, no conflicts (2 of 4 stars). 3 submissions from 3 submitters: Uncertain significance (3). Last evaluated 2024-11-10.

Allele frequency attached by ClinVar (database versions not stated): gnomAD 0.00004 and 0.00003; ExAC 0.00005; gnomAD exomes 0.00003; TOPMed 0.00003.
gnomAD v4.1: 43 of 1,613,664 alleles (0.0027%); highest among the groups gnomAD compares: East Asian, 0.0045%; no homozygotes.

Submissions (3):

Ambry Genetics
Classification: Uncertain significance. Last evaluated: 2024-11-10. Review status: criteria provided, single submitter. Criteria: Ambry Variant Classification Scheme 2023. Collection method: clinical testing. Allele origin: germline.

Blueprint Genetics
Classification: Uncertain significance. Last evaluated: 2023-07-26. Review status: criteria provided, single submitter. Criteria: ACMG Guidelines, 2015. Collection method: clinical testing. Allele origin: germline.

Labcorp Genetics (formerly Invitae), Labcorp
Classification: Uncertain significance. Last evaluated: 2021-09-08. Review status: criteria provided, single submitter. Criteria: Invitae Variant Classification Sherloc (09022015). Collection method: clinical testing. Allele origin: germline.
Comment: This sequence change replaces arginine with tryptophan at codon 236 of the EXOSC2 protein (p.Arg236Trp). The arginine residue is highly conserved and there is a moderate physicochemical difference between arginine and tryptophan. This variant is present in population databases (rs532025583, ExAC 0.01%). This variant has not been reported in the literature in individuals affected with EXOSC2-related conditions. Algorithms developed to predict the effect of missense changes on protein structure and function (SIFT, PolyPhen-2, Align-GVGD) all suggest that this variant is likely to be disruptive. In summary, the available evidence is currently insufficient to determine the role of this variant in disease. Therefore, it has been classified as a Variant of Uncertain Significance.

NM_014285.7(EXOSC2):c.706C>T (p.Arg236Trp)

Gene: EXOSC2 (exosome component 2; plus strand). Cytogenetic location: 9q34.12.
Variant type: single nucleotide variant.
Coding change: c.706C>T on transcript NM_014285.7 (MANE Select); coding-DNA position 706, C replaced by T.
Protein change: p.Arg236Trp; replaces arginine 236 with tryptophan.
Molecular consequence: missense variant. On other transcripts: non-coding transcript variant (1).
Genome position (GRCh38, 1-based): chr9:130,703,086, C>T. VCF-style: chr9-130703086-C-T. GRCh37 (hg19) VCF-style: chr9-133578473-C-T.
Other names: c.706C>T (NM_014285.5); c.628C>T, p.Arg210Trp (NM_001282708.1); c.616C>T, p.Arg206Trp (NM_001282709.1); short protein forms R206W, R210W, R236W.
Identifiers: ClinVar variation 1463660 (VCV001463660.8), dbSNP rs532025583, ClinGen allele CA5284964.